The following is an entry in ClinVar:

ClinVar aggregate classification (germline): Uncertain significance (1 of 4 stars; one submission).

gnomAD v4.1: 2 of 1,613,516 alleles (0.00012%); highest among the groups gnomAD compares: Non-Finnish European, 0.00017%; no homozygotes.

Submission:

CeGaT Center for Human Genetics Tuebingen
Classification: Uncertain significance. Last evaluated: 2026-02-01. Review status: criteria provided, single submitter. Criteria: CeGaT Center For Human Genetics Tuebingen Variant Classification Criteria Version 2. Collection method: clinical testing. Allele origin: germline. Affected: yes. Observed: 1 variant allele.
Comment: ATP2B2: PM2, PP3

NM_001001331.4(ATP2B2):c.1360G>A (p.Ala454Thr)

Gene: ATP2B2 (ATPase plasma membrane Ca2+ transporting 2; minus strand). Cytogenetic location: 3p25.3.
Variant type: single nucleotide variant.
Coding change: c.1360G>A on transcript NM_001001331.4 (MANE Select); coding-DNA position 1360, G replaced by A.
Protein change: p.Ala454Thr; replaces alanine 454 with threonine.
Molecular consequence: missense variant.
Genome position (GRCh38, 1-based): chr3:10,375,486, C>T on the plus strand (G>A on the coding strand, the complement: ATP2B2 is on the minus strand). VCF-style: chr3-10375486-C-T. GRCh37 (hg19) VCF-style: chr3-10417170-C-T.
Other names: c.1225G>A, p.Ala409Thr (NM_001330611.3, NM_001353564.1, NM_001363862.1 and 2 more transcripts); c.1267G>A, p.Ala423Thr (NM_001438646.1); short protein forms A409T, A423T, A454T.
Identifiers: ClinVar variation 4822574 (VCV004822574.4).